The following is an entry in ClinVar:

NM_001083962.2(TCF4):c.633_634insAAAA (p.Pro212fs)

Gene: TCF4 (transcription factor 4; minus strand). Cytogenetic location: 18q21.2.
Variant type: Insertion.
Coding change: c.633_634insAAAA on transcript NM_001083962.2 (MANE Select); coding-DNA positions 633 to 634, AAAA inserted.
Protein change: p.Pro212fs; shifts the reading frame from proline 212.
Molecular consequence: frameshift variant. On other transcripts: 5 prime UTR variant (1).
Genome position: GRCh38 VCF-style: chr18-55279572-G-GTTTT. GRCh37 (hg19) VCF-style: chr18-52946803-G-GTTTT.
Other names: c.939_940insAAAA, p.Pro314fs (NM_001243226.3); c.561_562insAAAA, p.Pro188fs (NM_001243227.2, NM_001306207.1, NM_001348217.1 and 9 more transcripts); c.651_652insAAAA, p.Pro218fs (NM_001243228.2); c.627_628insAAAA, p.Pro210fs (NM_001243230.2); c.507_508insAAAA, p.Pro170fs (NM_001243231.2, NM_001348211.2); c.420_421insAAAA, p.Pro141fs (NM_001243232.1, NM_001306208.1); c.243_244insAAAA, p.Pro82fs (NM_001243233.2, NM_001330605.3, NM_001348212.2 and 1 more transcripts); c.153_154insAAAA, p.Pro52fs (NM_001243234.2, NM_001243235.2, NM_001243236.2 and 2 more transcripts); and 4 more; short protein forms P187fs, P218fs, P82fs, P188fs, P52fs, P170fs, P314fs, P141fs.
Identifiers: ClinVar variation 3175157 (VCV003175157.1), dbSNP rs2512773797, ClinGen allele CA2825002714.

ClinVar aggregate classification (germline): Pathogenic (1 of 4 stars; one submission).

Conditions:
Inborn genetic diseases. Identifiers: MedGen C0950123, MeSH D030342.

Submission:

Ambry Genetics
Classification: Pathogenic for Inborn genetic diseases. Last evaluated: 2024-02-21. Review status: criteria provided, single submitter. Criteria: Ambry Variant Classification Scheme 2023. Collection method: clinical testing. Allele origin: germline.
Comment: The c.633_634insAAAA (p.P212Kfs*3) alteration, located in exon 9 (coding exon 8) of the TCF4 gene, consists of an insertion of AAAA at position 633, causing a translational frameshift with a predicted alternate stop codon after 3 amino acids. This alteration is expected to result in loss of function by premature protein truncation or nonsense-mediated mRNA decay. This variant was not reported in population-based cohorts in the Genome Aggregation Database (gnomAD). Based on the available evidence, this alteration is classified as pathogenic.